The following is an entry in ClinVar:

NM_024923.4(NUP210):c.869C>T (p.Pro290Leu)

Gene: NUP210 (nucleoporin 210; minus strand). Cytogenetic location: 3p25.1.
Variant type: single nucleotide variant.
Coding change: c.869C>T on transcript NM_024923.4 (MANE Select); coding-DNA position 869, C replaced by T.
Protein change: p.Pro290Leu; replaces proline 290 with leucine.
Molecular consequence: missense variant.
Genome position (GRCh38, 1-based): chr3:13,379,670, G>A on the plus strand (C>T on the coding strand, the complement: NUP210 is on the minus strand). VCF-style: chr3-13379670-G-A. GRCh37 (hg19) VCF-style: chr3-13421170-G-A.
Other names: short protein forms P290L.
Identifiers: ClinVar variation 2317069 (VCV002317069.22), dbSNP rs149566955, ClinGen allele CA2264374.
Genomic context (GRCh38, chr3:13,379,670, plus strand): 5'-ACCATCGACGTGTCCTGGGCCAAGACAGCCACCGGCCGGGCTGGGTCTCCTTCGGGGCCC[G>A]GGATGCTGTTCTGAAGCTGCAACTCGTACTGATCGGAAGGCATGGAGAGTTCTGGCCACC-3'
Protein context (NP_079199.2, residues 280-300): QYELQLQNSI[Pro290Leu]GPEGDPARPV

ClinVar aggregate classification (germline): Conflicting classifications of pathogenicity. Review status: criteria provided, conflicting classifications (1 of 4 stars). 2 submissions from 2 submitters: Uncertain significance (1); Likely benign (1). Last evaluated 2024-04-01.

Allele frequency attached by ClinVar (database versions not stated): ExAC 0.00018; ESP Exome Variant Server 0.00031.
gnomAD v4.1: 312 of 1,613,788 alleles (0.019%); highest among the groups gnomAD compares: African/African-American, 0.17%; 2 homozygotes.

Submissions (2):

CeGaT Center for Human Genetics Tuebingen
Classification: Likely benign. Last evaluated: 2024-04-01. Review status: criteria provided, single submitter. Criteria: CeGaT Center For Human Genetics Tuebingen Variant Classification Criteria Version 2. Collection method: clinical testing. Allele origin: germline. Affected: yes. Observed: 1 variant allele.
Comment: NUP210: BP4, BS1

Ambry Genetics
Classification: Uncertain significance. Last evaluated: 2021-08-09. Review status: criteria provided, single submitter. Criteria: Ambry Variant Classification Scheme 2023. Collection method: clinical testing. Allele origin: germline.